The following is an entry in ClinVar:

NM_007294.4(BRCA1):c.3896_3912delinsTGC (p.Gln1299fs)

Genes: BRCA1 (BRCA1 DNA repair associated; minus strand), LOC126862571 (BRD4-independent group 4 enhancer GRCh37_chr17:41243136-41244335; plus strand). Cytogenetic location: 17q21.31.
Variant type: Indel.
Coding change: c.3896_3912delinsTGC on transcript NM_007294.4 (MANE Select); coding-DNA positions 3896 to 3912, AGTGCAGTGAATTGGAA replaced by TGC.
Protein change: p.Gln1299fs; shifts the reading frame from glutamine 1299.
Molecular consequence: frameshift variant. On other transcripts: intron variant (135).
Genome position (GRCh38, 1-based): chr17:43,091,619-43,091,635, TTCCAATTCACTGCACT replaced by GCA on the plus strand (AGTGCAGTGAATTGGAA replaced by TGC on the coding strand, the reverse complement: BRCA1 is on the minus strand). VCF-style: chr17-43091619-TTCCAATTCACTGCACT-GCA. GRCh37 (hg19) VCF-style: chr17-41243636-TTCCAATTCACTGCACT-GCA.
Other names: c.3683_3699delinsTGC, p.Gln1228fs (NM_001407571.1, NM_001407853.1, NM_001407894.1 and 9 more transcripts); c.3896_3912delinsTGC, p.Gln1299fs (NM_001407581.1, NM_001407582.1, NM_001407583.1 and 30 more transcripts); c.3773_3789delinsTGC, p.Gln1258fs (NM_001407666.1, NM_001407667.1, NM_001407668.1 and 19 more transcripts); c.3770_3786delinsTGC, p.Gln1257fs (NM_001407670.1, NM_001407671.1, NM_001407672.1 and 11 more transcripts); c.3893_3909delinsTGC, p.Gln1298fs (NM_001407587.1, NM_001407590.1, NM_001407591.1 and 22 more transcripts); c.3752_3768delinsTGC, p.Gln1251fs (NM_001407748.1, NM_001407749.1, NM_001407838.1 and 20 more transcripts); c.3755_3771delinsTGC, p.Gln1252fs (NM_001407750.1, NM_001407751.1, NM_001407752.1 and 29 more transcripts); c.1292_1308delinsTGC, p.Gln431fs (NM_001407969.1, NM_001407968.1); and 41 more; short protein forms Q1003fs, Q1131fs, Q1171fs, Q1172fs, Q1187fs, Q1188fs, Q1210fs, Q1211fs.
Identifiers: ClinVar variation 4818740 (VCV004818740.1).
Genomic context (GRCh38, chr17:43,091,619, plus strand): 5'-CATTTGTTTGGAAGAACCAATCAAGAAAGGATCCTGGGTGTTTGTATTTGCAGTCAAGTC[TTCCAATTCACTGCACT>GCA]GTGAAGAAAACAAGCTAGCAGAACATTTTGTTTCCTCACTAAGGTGATGTTCCTGAGATG-3'

ClinVar aggregate classification (germline): Pathogenic (1 of 4 stars; one submission).

Conditions:
Inherited breast cancer and ovarian cancer.

Submission:

Genetics Laboratory, Great Ormond Street Hospital NHS Foundation Trust, North Thames Genomic Laboratory Hub
Classification: Pathogenic for Inherited breast cancer and ovarian cancer. Last evaluated: 2026-01-29. Review status: criteria provided, single submitter. Criteria: CanVIG BRCA Gene Specific V1.22. Collection method: clinical testing. Allele origin: germline. Affected: yes.
Comment: PM2_moderate, PVS1_very-strong, PM5_strong